The following is an entry in ClinVar:

ClinVar aggregate classification (germline): Uncertain significance (1 of 4 stars; one submission).

Conditions:
Infantile spasms. Also called: Infantile spasm. Identifiers: MedGen C3887898, HP:0012469.

gnomAD v4.1: 7 of 1,614,152 alleles (0.00043%); highest among the groups gnomAD compares: East Asian, 0.0067%; no homozygotes.

Submission:

Labcorp Genetics (formerly Invitae), Labcorp
Classification: Uncertain significance for Infantile spasms. Last evaluated: 2024-07-01. Review status: criteria provided, single submitter. Criteria: Invitae Variant Classification Sherloc (09022015). Collection method: clinical testing. Allele origin: germline.
Comment: This sequence change replaces asparagine, which is neutral and polar, with lysine, which is basic and polar, at codon 307 of the PIK3AP1 protein (p.Asn307Lys). This variant is present in population databases (rs774301849, gnomAD 0.006%). This variant has not been reported in the literature in individuals affected with PIK3AP1-related conditions. ClinVar contains an entry for this variant (Variation ID: 1380330). Algorithms developed to predict the effect of missense changes on protein structure and function output the following: SIFT: "Not Available"; PolyPhen-2: "Benign"; Align-GVGD: "Not Available". The lysine amino acid residue is found in multiple mammalian species, which suggests that this missense change does not adversely affect protein function. In summary, the available evidence is currently insufficient to determine the role of this variant in disease. Therefore, it has been classified as a Variant of Uncertain Significance.

NM_152309.3(PIK3AP1):c.921C>A (p.Asn307Lys)

Gene: PIK3AP1 (phosphoinositide-3-kinase adaptor protein 1; minus strand). Cytogenetic location: 10q24.1.
Variant type: single nucleotide variant.
Coding change: c.921C>A on transcript NM_152309.3 (MANE Select); coding-DNA position 921, C replaced by A.
Protein change: p.Asn307Lys; replaces asparagine 307 with lysine.
Molecular consequence: missense variant.
Genome position (GRCh38, 1-based): chr10:96,651,315, G>T on the plus strand (C>A on the coding strand, the complement: PIK3AP1 is on the minus strand). VCF-style: chr10-96651315-G-T. GRCh37 (hg19) VCF-style: chr10-98411072-G-T.
Other names: short protein forms N307K.
Identifiers: ClinVar variation 1380330 (VCV001380330.8), dbSNP rs774301849, ClinGen allele CA5626414.